The following is an entry in ClinVar:

NM_003722.5(TP63):c.921G>A (p.Met307Ile)

Gene: TP63 (tumor protein p63; plus strand). Cytogenetic location: 3q28.
Variant type: single nucleotide variant.
Coding change: c.921G>A on transcript NM_003722.5 (MANE Select); coding-DNA position 921, G replaced by A.
Protein change: p.Met307Ile; replaces methionine 307 with isoleucine.
Molecular consequence: missense variant.
Genome position (GRCh38, 1-based): chr3:189,867,871, G>A. VCF-style: chr3-189867871-G-A. GRCh37 (hg19) VCF-style: chr3-189585660-G-A.
Other names: c.639G>A, p.Met213Ile (NM_001114981.2, NM_001114982.2, NM_001329145.2 and 2 more transcripts); c.921G>A, p.Met307Ile (NM_001329144.2, NM_001329148.2, NM_001114978.2 and 1 more transcripts); c.384G>A, p.Met128Ile (NM_001329146.2, NM_001329150.2); c.915G>A, p.Met305Ile (NM_001329964.2); short protein forms M307I, M305I, M128I, M213I.
Identifiers: ClinVar variation 3642138 (VCV003642138.1).

ClinVar aggregate classification (germline): Uncertain significance (1 of 4 stars; one submission).

Conditions:
TP63-Related Spectrum Disorders.

Submission:

Labcorp Genetics (formerly Invitae), Labcorp
Classification: Uncertain significance. Last evaluated: 2024-02-20. Review status: criteria provided, single submitter. Criteria: Invitae Variant Classification Sherloc (09022015). Collection method: clinical testing. Allele origin: germline.
Comment: This sequence change replaces methionine, which is neutral and non-polar, with isoleucine, which is neutral and non-polar, at codon 307 of the TP63 protein (p.Met307Ile). This variant is not present in population databases (gnomAD no frequency). This missense change has been observed in individual(s) with TP63-related conditions (PMID: 35831859). Advanced modeling of protein sequence and biophysical properties (such as structural, functional, and spatial information, amino acid conservation, physicochemical variation, residue mobility, and thermodynamic stability) performed at Invitae indicates that this missense variant is expected to disrupt TP63 protein function with a positive predictive value of 95%. In summary, the available evidence is currently insufficient to determine the role of this variant in disease. Therefore, it has been classified as a Variant of Uncertain Significance.

Literature cited by the submitters: PubMed 35831859.